The following is an entry in ClinVar:

NM_001367561.1(DOCK7):c.1683-11T>G

Gene: DOCK7 (dedicator of cytokinesis 7; minus strand). Cytogenetic location: 1p31.3.
Variant type: single nucleotide variant.
Coding change: c.1683-11T>G on transcript NM_001367561.1 (MANE Select); 11 bases into the intron before coding-DNA position 1683, T replaced by G.
Molecular consequence: intron variant.
Genome position (GRCh38, 1-based): chr1:62,586,635, A>C on the plus strand (T>G on the coding strand, the complement: DOCK7 is on the minus strand). VCF-style: chr1-62586635-A-C. GRCh37 (hg19) VCF-style: chr1-63052306-A-C.
Other names: c.1683-11T>G (NM_001272001.2, NM_001272000.2, NM_033407.4 and 3 more transcripts).
Identifiers: ClinVar variation 4753177 (VCV004753177.1).

ClinVar aggregate classification (germline): Uncertain significance (1 of 4 stars; one submission).

Conditions:
Developmental and epileptic encephalopathy, 23 (DEE23). Also called: Epileptic encephalopathy, early infantile, 23. Identifiers: Orphanet 411986, MedGen C4014492, MONDO:0014371, OMIM 615859.

gnomAD v4.1: 22 of 1,509,248 alleles (0.0015%); highest among the groups gnomAD compares: Middle Eastern, 0.017%; no homozygotes.

Submission:

Labcorp Genetics (formerly Invitae), Labcorp
Classification: Uncertain significance for Developmental and epileptic encephalopathy, 23. Last evaluated: 2026-01-26. Review status: criteria provided, single submitter. Criteria: Invitae Variant Classification Sherloc (09022015). Collection method: clinical testing. Allele origin: germline.
Comment: This sequence change falls in intron 14 of the DOCK7 gene. It does not directly change the encoded amino acid sequence of the DOCK7 protein. This variant is present in population databases (no rsID available, gnomAD 0.0009%). This variant has not been reported in the literature in individuals affected with DOCK7-related conditions. Algorithms developed to predict the effect of sequence changes on RNA splicing suggest that this variant may disrupt the consensus splice site. In summary, the available evidence is currently insufficient to determine the role of this variant in disease. Therefore, it has been classified as a Variant of Uncertain Significance.